The following is an entry in ClinVar:

ClinVar aggregate classification (germline): Uncertain significance (1 of 4 stars; one submission).

gnomAD v4.1: 1 of 1,612,752 alleles (0.000062%); highest among the groups gnomAD compares: Non-Finnish European, 0.000085%; no homozygotes.

Submission:

GeneDx
Classification: Uncertain significance. Last evaluated: 2023-03-02. Review status: criteria provided, single submitter. Criteria: GeneDx Variant Classification Process June 2021. Collection method: clinical testing. Allele origin: germline. Affected: yes.
Comment: Not observed at significant frequency in large population cohorts (gnomAD); In silico analysis supports that this missense variant does not alter protein structure/function; Has not been previously published as pathogenic or benign to our knowledge

NM_001348716.2(KDM6B):c.1780C>T (p.Pro594Ser)

Gene: KDM6B (lysine demethylase 6B; plus strand). Cytogenetic location: 17p13.1.
Variant type: single nucleotide variant.
Coding change: c.1780C>T on transcript NM_001348716.2 (MANE Select); coding-DNA position 1780, C replaced by T.
Protein change: p.Pro594Ser; replaces proline 594 with serine.
Molecular consequence: missense variant.
Genome position (GRCh38, 1-based): chr17:7,848,068, C>T. VCF-style: chr17-7848068-C-T. GRCh37 (hg19) VCF-style: chr17-7751386-C-T.
Other names: c.1780C>T, p.Pro594Ser (NM_001080424.2); short protein forms P594S.
Identifiers: ClinVar variation 2578085 (VCV002578085.1), dbSNP rs2544525759, ClinGen allele CA397917402.